The following is an entry in ClinVar:

NM_024818.6(UBA5):c.979G>C (p.Val327Leu)

Genes: NPHP3-ACAD11 (NPHP3-ACAD11 readthrough (NMD candidate); minus strand), UBA5 (ubiquitin like modifier activating enzyme 5; plus strand). Cytogenetic location: 3q22.1.
Variant type: single nucleotide variant.
Coding change: c.979G>C on transcript NM_024818.6 (MANE Select); coding-DNA position 979, G replaced by C.
Protein change: p.Val327Leu; replaces valine 327 with leucine.
Molecular consequence: missense variant.
Genome position (GRCh38, 1-based): chr3:132,675,635, G>C. VCF-style: chr3-132675635-G-C. GRCh37 (hg19) VCF-style: chr3-132394479-G-C.
Other names: c.811G>C, p.Val271Leu (NM_001320210.2, NM_198329.4); c.709G>C, p.Val237Leu (NM_001321238.2); c.643G>C, p.Val215Leu (NM_001321239.1); short protein forms V215L, V271L, V327L, V237L.
Identifiers: ClinVar variation 1912781 (VCV001912781.2), dbSNP rs759071206, ClinGen allele CA2621502.

ClinVar aggregate classification (germline): Uncertain significance (1 of 4 stars; one submission).

Allele frequency attached by ClinVar (database versions not stated): gnomAD 0.00001; ExAC 0.00003.
gnomAD v4.1: 11 of 1,612,870 alleles (0.00068%); highest among the groups gnomAD compares: Admixed American, 0.018%; no homozygotes.

Submission:

Labcorp Genetics (formerly Invitae), Labcorp
Classification: Uncertain significance. Last evaluated: 2022-04-21. Review status: criteria provided, single submitter. Criteria: Invitae Variant Classification Sherloc (09022015). Collection method: clinical testing. Allele origin: germline.
Comment: This sequence change replaces valine, which is neutral and non-polar, with leucine, which is neutral and non-polar, at codon 327 of the UBA5 protein (p.Val327Leu). This variant is present in population databases (rs759071206, gnomAD 0.03%). This variant has not been reported in the literature in individuals affected with UBA5-related conditions. Algorithms developed to predict the effect of missense changes on protein structure and function are either unavailable or do not agree on the potential impact of this missense change (SIFT: "Not Available"; PolyPhen-2: "Benign"; Align-GVGD: "Not Available"). In summary, the available evidence is currently insufficient to determine the role of this variant in disease. Therefore, it has been classified as a Variant of Uncertain Significance.